The following is an entry in ClinVar:

NM_025137.4(SPG11):c.1261C>T (p.Gln421Ter)

Gene: SPG11 (SPG11 vesicle trafficking associated, spatacsin; minus strand). Cytogenetic location: 15q21.1.
Variant type: single nucleotide variant.
Coding change: c.1261C>T on transcript NM_025137.4 (MANE Select); coding-DNA position 1261, C replaced by T.
Protein change: p.Gln421Ter; replaces glutamine 421 with a stop codon.
Molecular consequence: nonsense.
Genome position (GRCh38, 1-based): chr15:44,651,686, G>A on the plus strand (C>T on the coding strand, the complement: SPG11 is on the minus strand). VCF-style: chr15-44651686-G-A. GRCh37 (hg19) VCF-style: chr15-44943884-G-A.
Other names: c.1261C>T, p.Gln421Ter (NM_001160227.2, NM_001411132.1); short protein forms Q421*.
Identifiers: ClinVar variation 2032309 (VCV002032309.4), dbSNP rs2505726481, ClinGen allele CA392236227.

ClinVar aggregate classification (germline): Pathogenic (1 of 4 stars; one submission).

Conditions:
Hereditary spastic paraplegia 11. Also called: SPASTIC PARAPLEGIA, AUTOSOMAL RECESSIVE, COMPLICATED, WITH THIN CORPUS CALLOSUM; SPASTIC PARAPLEGIA, AUTOSOMAL RECESSIVE, WITH MENTAL IMPAIRMENT AND THIN CORPUS CALLOSUM; Nakamura Osame syndrome; Autosomal recessive hereditary spastic paraplegia, mental impairment, and thin corpus callosum; Spastic Paraplegia 11; Spastic paraplegia, mental retardation and thin corpus callosum. Identifiers: Orphanet 2822, MedGen C1858479, MONDO:0011445, OMIM 604360.

Allele frequency attached by ClinVar (database versions not stated): gnomAD exomes below 0.00001.
gnomAD v4.1: 1 of 1,614,188 alleles (0.000062%); highest among the groups gnomAD compares: East Asian, 0.0022%; no homozygotes.

Submission:

Labcorp Genetics (formerly Invitae), Labcorp
Classification: Pathogenic for Hereditary spastic paraplegia 11. Last evaluated: 2023-09-21. Review status: criteria provided, single submitter. Criteria: Invitae Variant Classification Sherloc (09022015). Collection method: clinical testing. Allele origin: germline.
Comment: This sequence change creates a premature translational stop signal (p.Gln421*) in the SPG11 gene. It is expected to result in an absent or disrupted protein product. Loss-of-function variants in SPG11 are known to be pathogenic (PMID: 19105190, 20110243, 22154821, 26556829). For these reasons, this variant has been classified as Pathogenic. ClinVar contains an entry for this variant (Variation ID: 2032309). This variant has not been reported in the literature in individuals affected with SPG11-related conditions. This variant is not present in population databases (gnomAD no frequency).

Literature cited by the submitters: PubMed 19105190; PubMed 20110243; PubMed 22154821; PubMed 26556829.